The following is an entry in ClinVar:

NM_006231.4(POLE):c.1567G>C (p.Glu523Gln)

Gene: POLE (DNA polymerase epsilon, catalytic subunit; minus strand). Cytogenetic location: 12q24.33.
Variant type: single nucleotide variant.
Coding change: c.1567G>C on transcript NM_006231.4 (MANE Select); coding-DNA position 1567, G replaced by C.
Protein change: p.Glu523Gln; replaces glutamic acid 523 with glutamine.
Molecular consequence: missense variant.
Genome position (GRCh38, 1-based): chr12:132,672,746, C>G on the plus strand (G>C on the coding strand, the complement: POLE is on the minus strand). VCF-style: chr12-132672746-C-G. GRCh37 (hg19) VCF-style: chr12-133249332-C-G.
Other names: c.1567G>C (NM_006231.2); short protein forms E523Q.
Identifiers: ClinVar variation 1508897 (VCV001508897.9), dbSNP rs1275423655, ClinGen allele CA387357041.

ClinVar aggregate classification (germline): Uncertain significance. Review status: criteria provided, multiple submitters, no conflicts (2 of 4 stars). 3 submissions from 3 submitters: Uncertain significance (3). Last evaluated 2026-08-26.

Conditions:
Hereditary cancer-predisposing syndrome. Also called: Hereditary Cancer Syndrome; Tumor predisposition; Neoplastic Syndromes, Hereditary; Hereditary neoplastic syndrome. Identifiers: Orphanet 140162, MedGen C0027672, MeSH D009386, MONDO:0015356.

Allele frequency attached by ClinVar (database versions not stated): gnomAD 0.00001.
gnomAD v4.1: 1 of 1,614,106 alleles (0.000062%); highest among the groups gnomAD compares: African/African-American, 0.0013%; no homozygotes.

Submissions (3):

Ambry Genetics
Classification: Uncertain significance for Hereditary cancer-predisposing syndrome. Last evaluated: 2026-08-26. Review status: criteria provided, single submitter. Criteria: Ambry Variant Classification Scheme 2023. Collection method: clinical testing. Allele origin: germline.
Comment: The p.E523Q variant (also known as c.1567G>C), located in coding exon 15 of the POLE gene, results from a G to C substitution at nucleotide position 1567. The glutamic acid at codon 523 is replaced by glutamine, an amino acid with highly similar properties. This amino acid position is conserved. In addition, this alteration is predicted to be tolerated by in silico analysis. Based on the available evidence, the clinical significance of this variant remains unclear.

Labcorp Genetics (formerly Invitae), Labcorp
Classification: Uncertain significance. Last evaluated: 2025-10-07. Review status: criteria provided, single submitter. Criteria: Invitae Variant Classification Sherloc (09022015). Collection method: clinical testing. Allele origin: germline.
Comment: This sequence change replaces glutamic acid, which is acidic and polar, with glutamine, which is neutral and polar, at codon 523 of the POLE protein (p.Glu523Gln). This variant is present in population databases (no rsID available, gnomAD 0.004%). This variant has not been reported in the literature in individuals affected with POLE-related conditions. ClinVar contains an entry for this variant (Variation ID: 1508897). Invitae Evidence Modeling of protein sequence and biophysical properties (such as structural, functional, and spatial information, amino acid conservation, physicochemical variation, residue mobility, and thermodynamic stability) indicates that this missense variant is not expected to disrupt POLE protein function with a negative predictive value of 80%. In summary, the available evidence is currently insufficient to determine the role of this variant in disease. Therefore, it has been classified as a Variant of Uncertain Significance.

GeneDx
Classification: Uncertain significance. Last evaluated: 2022-11-23. Review status: criteria provided, single submitter. Criteria: GeneDx Variant Classification Process June 2021. Collection method: clinical testing. Allele origin: germline. Affected: yes.
Comment: Not observed at significant frequency in large population cohorts (gnomAD); In silico analysis supports that this missense variant does not alter protein structure/function; Has not been previously published as pathogenic or benign to our knowledge